The following is an entry in ClinVar:

ClinVar aggregate classification (germline): Uncertain significance. Review status: criteria provided, multiple submitters, no conflicts (2 of 4 stars). 4 submissions from 4 submitters: Uncertain significance (4). Last evaluated 2024-01-17.

Conditions:
Inborn genetic diseases. Identifiers: MedGen C0950123, MeSH D030342.
CIC-related disorder. Also called: CIC-related condition.

Allele frequency attached by ClinVar (database versions not stated): gnomAD 0.00001; TOPMed 0.00001; gnomAD exomes 0.00006.
gnomAD v4.1: 91 of 1,610,828 alleles (0.0056%); highest among the groups gnomAD compares: Non-Finnish European, 0.0076%; no homozygotes.

Submissions (4):

Ambry Genetics
Classification: Uncertain significance for Inborn genetic diseases. Last evaluated: 2024-01-17. Review status: criteria provided, single submitter. Criteria: Ambry Variant Classification Scheme 2023. Collection method: clinical testing. Allele origin: germline.

PreventionGenetics, part of Exact Sciences
Classification: Uncertain significance for CIC-related condition. Last evaluated: 2023-01-13. Review status: criteria provided, single submitter. Criteria: ACMG Guidelines, 2015. Collection method: clinical testing. Allele origin: germline.
Comment: The CIC c.239T>C variant is predicted to result in the amino acid substitution p.Val80Ala. To our knowledge, this variant has not been reported in the literature. This variant is reported in 0.0018% of alleles in individuals of European (Non-Finnish) descent in gnomAD. At this time, the clinical significance of this variant is uncertain due to the absence of conclusive functional and genetic evidence.

CeGaT Center for Human Genetics Tuebingen
Classification: Uncertain significance. Last evaluated: 2022-08-01. Review status: criteria provided, single submitter. Criteria: CeGaT Center For Human Genetics Tuebingen Variant Classification Criteria Version 2. Collection method: clinical testing. Allele origin: germline. Affected: yes. Observed: 1 variant allele.

Blueprint Genetics
Classification: Uncertain significance. Last evaluated: 2018-11-21. Review status: criteria provided, single submitter. Criteria: ACMG Guidelines, 2015. Collection method: clinical testing. Allele origin: germline.

NM_001386298.1(CIC):c.2966T>C (p.Val989Ala)

Gene: CIC (capicua transcriptional repressor; plus strand). Cytogenetic location: 19q13.2.
Variant type: single nucleotide variant.
Coding change: c.2966T>C on transcript NM_001386298.1 (MANE Select); coding-DNA position 2966, T replaced by C.
Protein change: p.Val989Ala; replaces valine 989 with alanine.
Molecular consequence: missense variant.
Genome position (GRCh38, 1-based): chr19:42,287,027, T>C. VCF-style: chr19-42287027-T-C. GRCh37 (hg19) VCF-style: chr19-42791179-T-C.
Other names: c.2966T>C, p.Val989Ala (NM_001304815.2, NM_001379480.1, NM_001379482.1 and 1 more transcripts); c.239T>C, p.Val80Ala (NM_001379484.1, NM_001379485.1, NM_015125.5); c.239T>C (NM_015125.3); short protein forms V80A, V989A.
Identifiers: ClinVar variation 2629813 (VCV002629813.26), dbSNP rs994708612, ClinGen allele CA308626147.